The following is an entry in ClinVar:

ClinVar aggregate classification (germline): Benign (1 of 4 stars; one submission).

Allele frequency attached by ClinVar (database versions not stated): 1000 Genomes Project 30x 0.99547; gnomAD 0.98937 and 0.98960; 1000 Genomes Project 0.99501; TOPMed 0.98949.
gnomAD v4.1: 150,707 of 152,280 alleles (99%); highest among the groups gnomAD compares: East Asian, 100%; 74,586 homozygotes.

Submissions (4):

GeneDx
Classification: Benign. Last evaluated: 2018-06-19. Review status: criteria provided, single submitter. Criteria: GeneDx Variant Classification (06012015). Collection method: clinical testing. Allele origin: germline. Affected: yes.
Comment: This variant is considered likely benign or benign based on one or more of the following criteria: it is a conservative change, it occurs at a poorly conserved position in the protein, it is predicted to be benign by multiple in silico algorithms, and/or has population frequency not consistent with disease.

Dr. Peter K. Rogan Lab, Western University
No classification provided (evidence only). Condition: Cholangiocarcinoma. Review status: no classification provided. Collection method: in vitro. Allele origin: not applicable. Functional consequence: retained intron. Not counted in ClinVar's aggregate classification.

Dr. Peter K. Rogan Lab, Western University
No classification provided (evidence only). Condition: Cholangiocarcinoma. Review status: no classification provided. Collection method: in vitro. Allele origin: not applicable. Functional consequence: retained intron. Not counted in ClinVar's aggregate classification.

Dr. Peter K. Rogan Lab, Western University
No classification provided (evidence only). Condition: Cholangiocarcinoma. Review status: no classification provided. Collection method: in vitro. Allele origin: not applicable. Functional consequence: retained intron. Not counted in ClinVar's aggregate classification.

NM_001365088.1(SLC12A6):c.271+289A>G

Gene: SLC12A6 (solute carrier family 12 member 6; minus strand). Cytogenetic location: 15q14.
Variant type: single nucleotide variant.
Coding change: c.271+289A>G on transcript NM_001365088.1 (MANE Select); 289 bases into the intron after coding-DNA position 271, A replaced by G.
Molecular consequence: intron variant.
Genome position (GRCh38, 1-based): chr15:34,336,121, T>C on the plus strand (A>G on the coding strand, the complement: SLC12A6 is on the minus strand). VCF-style: chr15-34336121-T-C. GRCh37 (hg19) VCF-style: chr15-34628322-T-C.
Other names: NC_000015.9:g.34628322T>C; c.94+289A>G (NM_001042495.2, NM_001042494.2); c.244+289A>G (NM_001042496.2); c.271+289A>G (NM_001042497.2, NM_133647.2).
Identifiers: ClinVar variation 667460 (VCV000667460.2), dbSNP rs2615351, ClinGen allele CA268641471.
Genomic context (GRCh38, chr15:34,336,121, plus strand): 5'-ACTAAATTTTAAAATTTAGGATTCTGTGTGCTGAAAACGATTACATTCTTTGATATTCAC[T>C]TTTAACCAAAATACCCATTTCATTTCTAAGAAGACAAAAATGAGGAAGTTAAAATATACA-3'